The following is an entry in ClinVar:

ClinVar aggregate classification (germline): Uncertain significance (1 of 4 stars; one submission).

gnomAD v4.1: 2 of 1,567,542 alleles (0.00013%); highest among the groups gnomAD compares: South Asian, 0.0012%; no homozygotes.

Submission:

GeneDx
Classification: Uncertain significance. Last evaluated: 2024-11-08. Review status: criteria provided, single submitter. Criteria: GeneDx Variant Classification Process June 2021. Collection method: clinical testing. Allele origin: germline. Affected: yes.
Comment: Not observed at significant frequency in large population cohorts (gnomAD); In silico analysis indicates that this missense variant does not alter protein structure/function; Has not been previously published as pathogenic or benign to our knowledge

NM_001371928.1(AHDC1):c.1327C>T (p.Pro443Ser)

Gene: AHDC1 (AT-hook DNA binding motif containing 1; minus strand). Cytogenetic location: 1p36.11.
Variant type: single nucleotide variant.
Coding change: c.1327C>T on transcript NM_001371928.1 (MANE Select); coding-DNA position 1327, C replaced by T.
Protein change: p.Pro443Ser; replaces proline 443 with serine.
Molecular consequence: missense variant.
Genome position (GRCh38, 1-based): chr1:27,550,789, G>A on the plus strand (C>T on the coding strand, the complement: AHDC1 is on the minus strand). VCF-style: chr1-27550789-G-A. GRCh37 (hg19) VCF-style: chr1-27877300-G-A.
Other names: c.1327C>T, p.Pro443Ser (NM_001029882.3); short protein forms P443S.
Identifiers: ClinVar variation 3899134 (VCV003899134.1).